The following is an entry in ClinVar:

ClinVar aggregate classification (germline): Uncertain significance (1 of 4 stars; one submission).

Conditions:
Hereditary cancer-predisposing syndrome. Also called: Neoplastic Syndromes, Hereditary; Hereditary Cancer Syndrome; Tumor predisposition; Hereditary neoplastic syndrome. Identifiers: Orphanet 140162, MedGen C0027672, MeSH D009386, MONDO:0015356.

Submission:

Ambry Genetics
Classification: Uncertain significance for Hereditary cancer-predisposing syndrome. Last evaluated: 2025-01-20. Review status: criteria provided, single submitter. Criteria: Ambry Variant Classification Scheme 2023. Collection method: clinical testing. Allele origin: germline.
Comment: The p.V833G variant (also known as c.2498T>G), located in coding exon 24 of the RB1 gene, results from a T to G substitution at nucleotide position 2498. The valine at codon 833 is replaced by glycine, an amino acid with dissimilar properties. This amino acid position is conserved. In addition, this alteration is predicted to be deleterious by in silico analysis. Based on the available evidence, the clinical significance of this variant remains unclear.

NM_000321.3(RB1):c.2498T>G (p.Val833Gly)

Gene: RB1 (RB transcriptional corepressor 1; plus strand). Cytogenetic location: 13q14.2.
Variant type: single nucleotide variant.
Coding change: c.2498T>G on transcript NM_000321.3 (MANE Select); coding-DNA position 2498, T replaced by G.
Protein change: p.Val833Gly; replaces valine 833 with glycine.
Molecular consequence: missense variant.
Genome position (GRCh38, 1-based): chr13:48,473,368, T>G. VCF-style: chr13-48473368-T-G. GRCh37 (hg19) VCF-style: chr13-49047504-T-G.
Other names: c.2498T>G, p.Val833Gly (NM_001407165.1); short protein forms V833G.
Identifiers: ClinVar variation 3787276 (VCV003787276.1).